The following is an entry in ClinVar:

ClinVar aggregate classification (germline): Uncertain significance (0 of 4 stars; one submission).

Conditions:
SLC9A7-related disorder. Also called: SLC9A7-related condition.

Submission:

PreventionGenetics, part of Exact Sciences
Classification: Uncertain significance for SLC9A7-related condition. Last evaluated: 2024-08-08. Review status: no assertion criteria provided. Collection method: clinical testing. Allele origin: germline.
Comment: The SLC9A7 c.1675dupA variant is predicted to result in a frameshift and premature protein termination (p.Arg559Lysfs*5). To our knowledge, this variant has not been reported in the literature. This variant is reported in 0.0025% of alleles in individuals of European (Non-Finnish) descent in gnomAD, including 2 hemizygous individuals. Loss of function is not an established mechanism of SLC9A7-related disease. At this time, the clinical significance of this variant is uncertain due to the absence of conclusive functional and genetic evidence.

NM_001257291.2(SLC9A7):c.1675dup (p.Arg559fs)

Gene: SLC9A7 (solute carrier family 9 member A7; minus strand). Cytogenetic location: Xp11.3.
Variant type: Duplication.
Coding change: c.1675dup on transcript NM_001257291.2 (MANE Select); coding-DNA position 1675, one base duplicated (A; older notation c.1675dupA).
Protein change: p.Arg559fs; shifts the reading frame from arginine 559.
Molecular consequence: frameshift variant.
Genome position (GRCh38, 1-based): chrX:46,635,590, T duplicated on the plus strand (A on the coding strand, the reverse complement: SLC9A7 is on the minus strand). VCF-style (leftmost placement, unchanged base first): chrX-46635589-C-CT. GRCh37 (hg19) VCF-style: chrX-46495024-C-CT.
Other names: c.1672dup, p.Arg558fs (NM_032591.3); short protein forms R558fs, R559fs.
Identifiers: ClinVar variation 3351924 (VCV003351924.1).